The following is an entry in ClinVar:

ClinVar aggregate classification (germline): Uncertain significance. Review status: criteria provided, multiple submitters, no conflicts (2 of 4 stars). 2 submissions from 2 submitters: Uncertain significance (2). Last evaluated 2025-11-26.

Conditions:
Primary ciliary dyskinesia. Also called: Ciliary dyskinesia. Identifiers: Orphanet 244, MedGen C0008780, MONDO:0016575, HP:0012265.
Primary ciliary dyskinesia 19. Also called: CILIARY DYSKINESIA, PRIMARY, 19, WITH OR WITHOUT SITUS INVERSUS. Identifiers: Orphanet 244, MedGen C3543826, MONDO:0013979, OMIM 614935.

Allele frequency attached by ClinVar (database versions not stated): TOPMed 0.00014; gnomAD 0.00018 and 0.00019; ESP Exome Variant Server 0.00023; 1000 Genomes Project 0.00080; 1000 Genomes Project 30x 0.00125.
gnomAD v4.1: 70 of 1,613,678 alleles (0.0043%); highest among the groups gnomAD compares: African/African-American, 0.085%; no homozygotes.

Submissions (2):

Ambry Genetics
Classification: Uncertain significance for Primary ciliary dyskinesia. Last evaluated: 2025-11-26. Review status: criteria provided, single submitter. Criteria: Ambry Variant Classification Scheme 2023. Collection method: clinical testing. Allele origin: germline.

Labcorp Genetics (formerly Invitae), Labcorp
Classification: Uncertain significance for Primary ciliary dyskinesia 19. Last evaluated: 2021-08-31. Review status: criteria provided, single submitter. Criteria: Invitae Variant Classification Sherloc (09022015). Collection method: clinical testing. Allele origin: germline.
Comment: This sequence change replaces alanine with serine at codon 158 of the LRRC6 protein (p.Ala158Ser). The alanine residue is highly conserved and there is a moderate physicochemical difference between alanine and serine. This variant is present in population databases (rs146136398, ExAC 0.07%). This variant has not been reported in the literature in individuals affected with LRRC6-related conditions. Algorithms developed to predict the effect of missense changes on protein structure and function are either unavailable or do not agree on the potential impact of this missense change (SIFT: "Deleterious"; PolyPhen-2: "Probably Damaging"; Align-GVGD: "Class C0"). In summary, the available evidence is currently insufficient to determine the role of this variant in disease. Therefore, it has been classified as a Variant of Uncertain Significance.

NM_012472.6(DNAAF11):c.472G>T (p.Ala158Ser)

Gene: DNAAF11 (dynein axonemal assembly factor 11; minus strand). Cytogenetic location: 8q24.22.
Variant type: single nucleotide variant.
Coding change: c.472G>T on transcript NM_012472.6 (MANE Select); coding-DNA position 472, G replaced by T.
Protein change: p.Ala158Ser; replaces alanine 158 with serine.
Molecular consequence: missense variant. On other transcripts: non-coding transcript variant (1).
Genome position (GRCh38, 1-based): chr8:132,632,921, C>A on the plus strand (G>T on the coding strand, the complement: DNAAF11 is on the minus strand). VCF-style: chr8-132632921-C-A. GRCh37 (hg19) VCF-style: chr8-133645167-C-A.
Other names: c.472G>T, p.Ala158Ser (NM_001321961.2); c.226G>T, p.Ala76Ser (NM_001321962.2); c.112G>T, p.Ala38Ser (NM_001321963.2, NM_001321964.2, NM_001321965.2 and 1 more transcripts); c.472G>T (NM_012472.3); short protein forms A158S, A38S, A76S.
Identifiers: ClinVar variation 570643 (VCV000570643.6), dbSNP rs146136398, ClinGen allele CA4881365.
Genomic context (GRCh38, chr8:132,632,921, plus strand): 5'-GACAGTGATCTTTTTCCTGCTCTCTGATTTGTGGTTCAATTACTGAATAGTCCTGCAATG[C>A]CTTAATCCTTTCTGAAGGCTCTATTTCTTTACCATCCAACCACTTAAAGAAAAACAATAA-3'
Protein context (NP_036604.2, residues 148-168): KEIEPSERIK[Ala158Ser]LQDYSVIEPQ